The following is an entry in ClinVar:

ClinVar aggregate classification (germline): Uncertain significance (1 of 4 stars; one submission).

Conditions:
Inborn genetic diseases. Identifiers: MedGen C0950123, MeSH D030342.

Submission:

Ambry Genetics
Classification: Uncertain significance for Inborn genetic diseases. Last evaluated: 2024-03-13. Review status: criteria provided, single submitter. Criteria: Ambry Variant Classification Scheme 2023. Collection method: clinical testing. Allele origin: germline.
Comment: The p.D2351G variant (also known as c.7052A>G), located in coding exon 48 of the LRRK2 gene, results from an A to G substitution at nucleotide position 7052. The aspartic acid at codon 2351 is replaced by glycine, an amino acid with similar properties. This amino acid position is conserved. In addition, the in silico prediction for this alteration is inconclusive. Based on the available evidence, the clinical significance of this alteration remains unclear.

NM_198578.4(LRRK2):c.7052A>G (p.Asp2351Gly)

Gene: LRRK2 (leucine rich repeat kinase 2; plus strand). Cytogenetic location: 12q12.
Variant type: single nucleotide variant.
Coding change: c.7052A>G on transcript NM_198578.4 (MANE Select); coding-DNA position 7052, A replaced by G.
Protein change: p.Asp2351Gly; replaces aspartic acid 2351 with glycine.
Molecular consequence: missense variant.
Genome position (GRCh38, 1-based): chr12:40,363,425, A>G. VCF-style: chr12-40363425-A-G. GRCh37 (hg19) VCF-style: chr12-40757227-A-G.
Other names: short protein forms D2351G.
Identifiers: ClinVar variation 3229770 (VCV003229770.1), dbSNP rs2500026878, ClinGen allele CA384413150.